The following is an entry in ClinVar:

NM_182961.4(SYNE1):c.22936G>A (p.Glu7646Lys)

Gene: SYNE1 (spectrin repeat containing nuclear envelope protein 1; minus strand). Cytogenetic location: 6q25.2.
Variant type: single nucleotide variant.
Coding change: c.22936G>A on transcript NM_182961.4 (MANE Select); coding-DNA position 22936, G replaced by A.
Protein change: p.Glu7646Lys; replaces glutamic acid 7646 with lysine.
Molecular consequence: missense variant.
Genome position (GRCh38, 1-based): chr6:152,206,251, C>T on the plus strand (G>A on the coding strand, the complement: SYNE1 is on the minus strand). VCF-style: chr6-152206251-C-T. GRCh37 (hg19) VCF-style: chr6-152527386-C-T.
Other names: c.22723G>A, p.Glu7575Lys (NM_033071.5); short protein forms E7575K, E7646K.
Identifiers: ClinVar variation 2145823 (VCV002145823.4), dbSNP rs570265411, ClinGen allele CA4053746.

ClinVar aggregate classification (germline): Uncertain significance (1 of 4 stars; one submission).

Conditions:
Autosomal recessive ataxia, Beauce type. Also called: SYNE1-Related Autosomal Recessive Cerebellar Ataxia; Spinocerebellar ataxia, autosomal recessive 8; ATAXIA, RECESSIVE, OF BEAUCE; SYNE1 Deficiency. Identifiers: Orphanet 88644, MedGen C1853116, MONDO:0012549, OMIM 610743.
Emery-Dreifuss muscular dystrophy 4, autosomal dominant (EDMD4). Also called: EMERY-DREIFUSS MUSCULAR DYSTROPHY 4 WITH VARIABLE FEATURES. Identifiers: Orphanet 261, MedGen C2751807, MONDO:0013071, OMIM 612998.

Allele frequency attached by ClinVar (database versions not stated): ExAC 0.00002; gnomAD 0.00001; gnomAD exomes 0.00001; TOPMed 0.00001.
gnomAD v4.1: 12 of 1,613,896 alleles (0.00074%); highest among the groups gnomAD compares: South Asian, 0.0055%; no homozygotes.

Submission:

Labcorp Genetics (formerly Invitae), Labcorp
Classification: Uncertain significance for Emery-Dreifuss muscular dystrophy 4, autosomal dominant; Autosomal recessive ataxia, Beauce type. Last evaluated: 2022-07-19. Review status: criteria provided, single submitter. Criteria: Invitae Variant Classification Sherloc (09022015). Collection method: clinical testing. Allele origin: germline.
Comment: This variant is present in population databases (rs570265411, gnomAD 0.006%). This sequence change replaces glutamic acid, which is acidic and polar, with lysine, which is basic and polar, at codon 7575 of the SYNE1 protein (p.Glu7575Lys). This variant has not been reported in the literature in individuals affected with SYNE1-related conditions. Algorithms developed to predict the effect of missense changes on protein structure and function are either unavailable or do not agree on the potential impact of this missense change (SIFT: "Deleterious"; PolyPhen-2: "Possibly Damaging"; Align-GVGD: "Class C15"). In summary, the available evidence is currently insufficient to determine the role of this variant in disease. Therefore, it has been classified as a Variant of Uncertain Significance.